The following is an entry in ClinVar:

NM_001042492.3(NF1):c.3315-1G>A

Gene: NF1 (neurofibromin 1; plus strand). Cytogenetic location: 17q11.2.
Variant type: single nucleotide variant.
Coding change: c.3315-1G>A on transcript NM_001042492.3 (MANE Select); the canonical splice acceptor site of the intron before coding-DNA position 3315, G replaced by A.
Molecular consequence: splice acceptor variant.
Genome position (GRCh38, 1-based): chr17:31,232,699, G>A. VCF-style: chr17-31232699-G-A. GRCh37 (hg19) VCF-style: chr17-29559717-G-A.
Other names: c.3315-1G>A (NM_000267.4).
Identifiers: ClinVar variation 657669 (VCV000657669.9), dbSNP rs1567850984, ClinGen allele CA398988954.

ClinVar aggregate classification (germline): Pathogenic/Likely pathogenic. Review status: criteria provided, multiple submitters, no conflicts (2 of 4 stars). 2 submissions from 2 submitters: Pathogenic (1); Likely pathogenic (1). Last evaluated 2026-01-25.

Conditions:
Cardiovascular phenotype. Identifiers: MedGen CN230736.
Hereditary cancer-predisposing syndrome. Also called: Neoplastic Syndromes, Hereditary; Hereditary neoplastic syndrome; Hereditary Cancer Syndrome; Tumor predisposition. Identifiers: Orphanet 140162, MedGen C0027672, MeSH D009386, MONDO:0015356.
Neurofibromatosis, type 1 (NF1). Also called: VON RECKLINGHAUSEN DISEASE; NEUROFIBROMATOSIS, TYPE I, SOMATIC; Peripheral type neurofibromatosis; Neurofibromatosis, type I. Identifiers: Orphanet 636, MedGen C0027831, MONDO:0018975, OMIM 162200. Disease mechanism: loss of function.

Submissions (2):

Labcorp Genetics (formerly Invitae), Labcorp
Classification: Pathogenic for Neurofibromatosis, type 1. Last evaluated: 2026-01-25. Review status: criteria provided, single submitter. Criteria: Invitae Variant Classification Sherloc (09022015). Collection method: clinical testing. Allele origin: germline.
Comment: This sequence change affects an acceptor splice site in intron 25 of the NF1 gene. It is expected to disrupt RNA splicing. Variants that disrupt the donor or acceptor splice site typically lead to a loss of protein function (PMID: 16199547), and loss-of-function variants in NF1 are known to be pathogenic (PMID: 10712197, 23913538). This variant is not present in population databases (gnomAD no frequency). Disruption of this splice site has been observed in individual(s) with clinical features of neurofibromatosis type 1 (internal data). Invitae Evidence Modeling of clinical and family history, age, sex, and reported ancestry of multiple individuals with this NF1 variant has been performed. This variant is expected to be pathogenic with a positive predictive value of at least 99%. This is a validated machine learning model that incorporates the clinical features of 1,785,918 individuals referred to our laboratory for NF1 testing. ClinVar contains an entry for this variant (Variation ID: 657669). Algorithms developed to predict the effect of sequence changes on RNA splicing suggest that this variant may disrupt the consensus splice site. For these reasons, this variant has been classified as Pathogenic.

Ambry Genetics
Classification: Likely pathogenic for Cardiovascular phenotype; Hereditary cancer-predisposing syndrome. Last evaluated: 2024-08-21. Review status: criteria provided, single submitter. Criteria: Ambry Variant Classification Scheme 2023. Collection method: clinical testing. Allele origin: germline.
Comment: The c.3315-1G>A intronic variant results from a G to A substitution one nucleotide upstream from coding exon 26 of the NF1 gene. Alterations that disrupt the canonical splice site are expected to result in aberrant splicing. In silico splice site analysis predicts that this alteration will weaken the native splice acceptor site. The resulting transcript is predicted to be in-frame and is not expected to trigger nonsense-mediated mRNAdecay; however, direct evidence is unavailable. The exact functional effect of the altered amino acid sequence is unknown; however, the impacted region is critical for protein function (Ambry internal data). This variant is considered to be rare based on population cohorts in the Genome Aggregation Database (gnomAD). This nucleotide position is highly conserved in available vertebrate species. Based on the majority of available evidence to date, this variant is likely to be pathogenic.

Literature cited by the submitters: PubMed 16199547 (cited by Labcorp Genetics (formerly Invitae), Labcorp); PubMed 10712197 (cited by Labcorp Genetics (formerly Invitae), Labcorp); PubMed 23913538 (cited by Labcorp Genetics (formerly Invitae), Labcorp).